The following is an entry in ClinVar:

ClinVar aggregate classification (germline): Uncertain significance (1 of 4 stars; one submission).

Allele frequency attached by ClinVar (database versions not stated): ExAC 0.00002; gnomAD exomes 0.00001; TOPMed below 0.00001; gnomAD 0.00001.
gnomAD v4.1: 22 of 1,614,102 alleles (0.0014%); highest among the groups gnomAD compares: South Asian, 0.024%; no homozygotes.

Submission:

Labcorp Genetics (formerly Invitae), Labcorp
Classification: Uncertain significance. Last evaluated: 2025-03-31. Review status: criteria provided, single submitter. Criteria: Invitae Variant Classification Sherloc (09022015). Collection method: clinical testing. Allele origin: germline.
Comment: This sequence change replaces phenylalanine, which is neutral and non-polar, with serine, which is neutral and polar, at codon 1254 of the VPS13D protein (p.Phe1254Ser). This variant is present in population databases (rs774065958, gnomAD 0.03%). This variant has not been reported in the literature in individuals affected with VPS13D-related conditions. ClinVar contains an entry for this variant (Variation ID: 2063230). Invitae Evidence Modeling of protein sequence and biophysical properties (such as structural, functional, and spatial information, amino acid conservation, physicochemical variation, residue mobility, and thermodynamic stability) indicates that this missense variant is not expected to disrupt VPS13D protein function with a negative predictive value of 80%. In summary, the available evidence is currently insufficient to determine the role of this variant in disease. Therefore, it has been classified as a Variant of Uncertain Significance.

NM_015378.4(VPS13D):c.3761T>C (p.Phe1254Ser)

Gene: VPS13D (vacuolar protein sorting 13 homolog D; plus strand). Cytogenetic location: 1p36.22.
Variant type: single nucleotide variant.
Coding change: c.3761T>C on transcript NM_015378.4 (MANE Select); coding-DNA position 3761, T replaced by C.
Protein change: p.Phe1254Ser; replaces phenylalanine 1254 with serine.
Molecular consequence: missense variant.
Genome position (GRCh38, 1-based): chr1:12,277,349, T>C. VCF-style: chr1-12277349-T-C. GRCh37 (hg19) VCF-style: chr1-12337406-T-C.
Other names: c.3761T>C, p.Phe1254Ser (NM_018156.4); short protein forms F1254S.
Identifiers: ClinVar variation 2063230 (VCV002063230.4), dbSNP rs774065958, ClinGen allele CA602015.
Genomic context (GRCh38, chr1:12,277,349, plus strand): 5'-ATGTTGTCAGCATTGGGAATTCTGTAGGCTATGAAAATATCATCAGTGATATTGGCTACT[T>C]TGAATCTGTGTTTGTCAGAATGGAAGATGCAGCCCTCACTGAAGCTTTGAGTTTCACGTT-3'
Protein context (NP_056193.2, residues 1244-1264): YENIISDIGY[Phe1254Ser]ESVFVRMEDA